The following is an entry in ClinVar:

ClinVar aggregate classification (germline): Uncertain significance (1 of 4 stars; one submission).

Conditions:
Primary ciliary dyskinesia. Also called: Ciliary dyskinesia. Identifiers: Orphanet 244, MedGen C0008780, MONDO:0016575, HP:0012265.

Allele frequency attached by ClinVar (database versions not stated): gnomAD exomes below 0.00001.
gnomAD v4.1: 1 of 1,614,052 alleles (0.000062%); highest among the groups gnomAD compares: Non-Finnish European, 0.000085%; no homozygotes.

Submission:

Labcorp Genetics (formerly Invitae), Labcorp
Classification: Uncertain significance for Primary ciliary dyskinesia. Last evaluated: 2022-06-27. Review status: criteria provided, single submitter. Criteria: Invitae Variant Classification Sherloc (09022015). Collection method: clinical testing. Allele origin: germline.
Comment: ClinVar contains an entry for this variant (Variation ID: 1052148). Advanced modeling of protein sequence and biophysical properties (such as structural, functional, and spatial information, amino acid conservation, physicochemical variation, residue mobility, and thermodynamic stability) performed at Invitae indicates that this missense variant is not expected to disrupt DNAH5 protein function. In summary, the available evidence is currently insufficient to determine the role of this variant in disease. Therefore, it has been classified as a Variant of Uncertain Significance. This sequence change replaces asparagine, which is neutral and polar, with threonine, which is neutral and polar, at codon 3629 of the DNAH5 protein (p.Asn3629Thr). This variant is not present in population databases (gnomAD no frequency). This variant has not been reported in the literature in individuals affected with DNAH5-related conditions.

NM_001369.3(DNAH5):c.10886A>C (p.Asn3629Thr)

Gene: DNAH5 (dynein axonemal heavy chain 5; minus strand). Cytogenetic location: 5p15.2.
Variant type: single nucleotide variant.
Coding change: c.10886A>C on transcript NM_001369.3 (MANE Select); coding-DNA position 10886, A replaced by C.
Protein change: p.Asn3629Thr; replaces asparagine 3629 with threonine.
Molecular consequence: missense variant.
Genome position (GRCh38, 1-based): chr5:13,752,276, T>G on the plus strand (A>C on the coding strand, the complement: DNAH5 is on the minus strand). VCF-style: chr5-13752276-T-G. GRCh37 (hg19) VCF-style: chr5-13752385-T-G.
Other names: short protein forms N3629T.
Identifiers: ClinVar variation 1052148 (VCV001052148.18), dbSNP rs2126695378, ClinGen allele CA359190522.